The following is an entry in ClinVar:

ClinVar aggregate classification (germline): Uncertain significance (1 of 4 stars; one submission).

Conditions:
Inborn genetic diseases. Identifiers: MedGen C0950123, MeSH D030342.

gnomAD v4.1: 4 of 1,614,028 alleles (0.00025%); highest among the groups gnomAD compares: South Asian, 0.0044%; no homozygotes.

Submission:

Ambry Genetics
Classification: Uncertain significance for Inborn genetic diseases. Last evaluated: 2025-05-23. Review status: criteria provided, single submitter. Criteria: Ambry Variant Classification Scheme 2023. Collection method: clinical testing. Allele origin: germline.
Comment: The p.L364S variant (also known as c.1091T>C), located in coding exon 9 of the CEP57 gene, results from a T to C substitution at nucleotide position 1091. The leucine at codon 364 is replaced by serine, an amino acid with dissimilar properties. This amino acid position is conserved. In addition, this alteration is predicted to be deleterious by in silico analysis. Based on the available evidence, the clinical significance of this variant remains unclear.

NM_014679.5(CEP57):c.1091T>C (p.Leu364Ser)

Gene: CEP57 (centrosomal protein 57; plus strand). Cytogenetic location: 11q21.
Variant type: single nucleotide variant.
Coding change: c.1091T>C on transcript NM_014679.5 (MANE Select); coding-DNA position 1091, T replaced by C.
Protein change: p.Leu364Ser; replaces leucine 364 with serine.
Molecular consequence: missense variant.
Genome position (GRCh38, 1-based): chr11:95,827,991, T>C. VCF-style: chr11-95827991-T-C. GRCh37 (hg19) VCF-style: chr11-95561155-T-C.
Other names: c.1064T>C, p.Leu355Ser (NM_001243776.2); c.1013T>C, p.Leu338Ser (NM_001243777.2); c.1010T>C, p.Leu337Ser (NM_001363604.2); short protein forms L338S, L364S, L337S, L355S.
Identifiers: ClinVar variation 4001062 (VCV004001062.1).